The following is an entry in ClinVar:

ClinVar aggregate classification (germline): Uncertain significance (1 of 4 stars; one submission).

Conditions:
Lethal left ventricular non-compaction-seizures-hypotonia-cataract-developmental delay syndrome. Also called: Combined oxidative phosphorylation deficiency 31. Identifiers: Orphanet 478049, MedGen C4310661, MONDO:0014976, OMIM 617228.

Submission:

Neuberg Centre For Genomic Medicine, NCGM
Classification: Uncertain significance for Lethal left ventricular non-compaction-seizures-hypotonia-cataract-developmental delay syndrome. Last evaluated: 2023-07-22. Review status: criteria provided, single submitter. Criteria: ACMG Guidelines, 2015. Collection method: clinical testing. Allele origin: germline. Inheritance: Autosomal recessive inheritance. Affected: yes.
Comment: The observed missense variant c.1175T>Gp.Ile392Ser in the MIPEP gene has not been reported previously as a pathogenic variant nor as a benign variant, to our knowledge. This variant is reported with the allele frequency 0.0004% in the gnomAD Exomes. The amino acid Ile at position 392 is changed to a Ser changing protein sequence and it might alter its composition and physico-chemical properties. Multiple lines of computational evidence Polyphen - Benign, SIFT - Tolerated and MutationTaster - Polymorphism predict no damaging effect on protein structure and function for this variant. The residue is conserved by GERP++ and PhyloP across 100 vertebrates. For these reasons, this variant has been classified as Uncertain Significance.

NM_005932.4(MIPEP):c.1175T>G (p.Ile392Ser)

Gene: MIPEP (mitochondrial intermediate peptidase; minus strand). Cytogenetic location: 13q12.12.
Variant type: single nucleotide variant.
Coding change: c.1175T>G on transcript NM_005932.4 (MANE Select); coding-DNA position 1175, T replaced by G.
Protein change: p.Ile392Ser; replaces isoleucine 392 with serine.
Molecular consequence: missense variant.
Genome position (GRCh38, 1-based): chr13:23,841,420, A>C on the plus strand (T>G on the coding strand, the complement: MIPEP is on the minus strand). VCF-style: chr13-23841420-A-C. GRCh37 (hg19) VCF-style: chr13-24415559-A-C.
Other names: short protein forms I392S.
Identifiers: ClinVar variation 3391209 (VCV003391209.1).